The following is an entry in ClinVar:

ClinVar aggregate classification (germline): Uncertain significance. Review status: criteria provided, multiple submitters, no conflicts (2 of 4 stars). 3 submissions from 3 submitters: Uncertain significance (3). Last evaluated 2024-12-24.

Conditions:
Inborn genetic diseases. Identifiers: MedGen C0950123, MeSH D030342.

Allele frequency attached by ClinVar (database versions not stated): TOPMed below 0.00001; gnomAD 0.00001; ExAC 0.00004; 1000 Genomes Project 30x 0.00016; 1000 Genomes Project 0.00020.
gnomAD v4.1: 12 of 1,556,304 alleles (0.00077%); highest among the groups gnomAD compares: Admixed American, 0.0019%; no homozygotes.

Submissions (3):

Women's Health and Genetics/Laboratory Corporation of America, LabCorp
Classification: Uncertain significance. Last evaluated: 2024-12-24. Review status: criteria provided, single submitter. Criteria: LabCorp Variant Classification Summary - May 2015. Collection method: clinical testing. Allele origin: germline.
Comment: Variant summary: OBSL1 c.2698G>A (p.Val900Met) results in a conservative amino acid change in the encoded protein sequence. Three of five in-silico tools predict a damaging effect of the variant on protein function. The frequency data for this variant in gnomAD is considered unreliable, as metrics indicate poor data quality at this position. To our knowledge, no occurrence of c.2698G>A in individuals affected with Three M Syndrome 2 and no experimental evidence demonstrating its impact on protein function have been reported. ClinVar contains an entry for this variant (Variation ID: 1035008). Based on the evidence outlined above, the variant was classified as uncertain significance.

Ambry Genetics
Classification: Uncertain significance for Inborn genetic diseases. Last evaluated: 2024-02-28. Review status: criteria provided, single submitter. Criteria: Ambry Variant Classification Scheme 2023. Collection method: clinical testing. Allele origin: germline.

Labcorp Genetics (formerly Invitae), Labcorp
Classification: Uncertain significance. Last evaluated: 2021-08-27. Review status: criteria provided, single submitter. Criteria: Invitae Variant Classification Sherloc (09022015). Collection method: clinical testing. Allele origin: germline.
Comment: This sequence change replaces valine with methionine at codon 900 of the OBSL1 protein (p.Val900Met). The valine residue is highly conserved and there is a small physicochemical difference between valine and methionine. This variant is present in population databases (rs530639786, ExAC 0.1%). This variant has not been reported in the literature in individuals affected with OBSL1-related conditions. Algorithms developed to predict the effect of missense changes on protein structure and function are either unavailable or do not agree on the potential impact of this missense change (SIFT: "Deleterious"; PolyPhen-2: "Probably Damaging"; Align-GVGD: "Class C0"). In summary, the available evidence is currently insufficient to determine the role of this variant in disease. Therefore, it has been classified as a Variant of Uncertain Significance.

NM_015311.3(OBSL1):c.2698G>A (p.Val900Met)

Gene: OBSL1 (obscurin like cytoskeletal adaptor 1; minus strand). Cytogenetic location: 2q35.
Variant type: single nucleotide variant.
Coding change: c.2698G>A on transcript NM_015311.3 (MANE Select); coding-DNA position 2698, G replaced by A.
Protein change: p.Val900Met; replaces valine 900 with methionine.
Molecular consequence: missense variant.
Genome position (GRCh38, 1-based): chr2:219,562,657, C>T on the plus strand (G>A on the coding strand, the complement: OBSL1 is on the minus strand). VCF-style: chr2-219562657-C-T. GRCh37 (hg19) VCF-style: chr2-220427379-C-T.
Other names: c.2698G>A, p.Val900Met (NM_001173408.2, NM_001173431.2); c.2698G>A (NM_015311.2); short protein forms V900M.
Identifiers: ClinVar variation 1035008 (VCV001035008.4), dbSNP rs530639786, ClinGen allele CA2131113.